The following is an entry in ClinVar:

NM_002485.5(NBN):c.721G>A (p.Ala241Thr)

Gene: NBN (nibrin; minus strand). Cytogenetic location: 8q21.3.
Variant type: single nucleotide variant.
Coding change: c.721G>A on transcript NM_002485.5 (MANE Select); coding-DNA position 721, G replaced by A.
Protein change: p.Ala241Thr; replaces alanine 241 with threonine.
Molecular consequence: missense variant.
Genome position (GRCh38, 1-based): chr8:89,970,539, C>T on the plus strand (G>A on the coding strand, the complement: NBN is on the minus strand). VCF-style: chr8-89970539-C-T. GRCh37 (hg19) VCF-style: chr8-90982767-C-T.
Other names: c.475G>A, p.Ala159Thr (NM_001024688.3); short protein forms A241T, A159T.
Identifiers: ClinVar variation 140869 (VCV000140869.34), dbSNP rs587781333, ClinGen allele CA163785.

ClinVar aggregate classification (germline): Uncertain significance. Review status: criteria provided, multiple submitters, no conflicts (2 of 4 stars). 8 submissions from 8 submitters: Uncertain significance (7). 1 of the submissions does not count toward it. Last evaluated 2026-01-28.

Conditions:
Hereditary cancer-predisposing syndrome. Also called: Neoplastic Syndromes, Hereditary; Hereditary Cancer Syndrome; Hereditary neoplastic syndrome; Tumor predisposition. Identifiers: Orphanet 140162, MedGen C0027672, MeSH D009386, MONDO:0015356.
Aplastic anemia. Identifiers: Orphanet 182040, Orphanet 88, MedGen C0002874, MONDO:0015909, OMIM 609135, HP:0001915.
Microcephaly, normal intelligence and immunodeficiency (NBS). Also called: Immunodeficiency, microcephaly with normal intelligence; SEEMANOVA SYNDROME II; Nijmegen breakage syndrome; Microcephaly with normal intelligence immunodeficiency and lymphoreticular malignancies; Nonsyndromal microcephaly autosomal recessive with normal intelligence; Seemanova syndrome 2. Identifiers: Orphanet 647, MedGen C0398791, MONDO:0009623, OMIM 251260.

Allele frequency attached by ClinVar (database versions not stated): gnomAD exomes 0.00001 and 0.00002; ExAC 0.00002; TOPMed 0.00003; gnomAD 0.00004.

Submissions (8):

Labcorp Genetics (formerly Invitae), Labcorp
Classification: Uncertain significance for Microcephaly, normal intelligence and immunodeficiency. Last evaluated: 2026-01-28. Review status: criteria provided, single submitter. Criteria: Invitae Variant Classification Sherloc (09022015). Collection method: clinical testing. Allele origin: germline.
Comment: This sequence change replaces alanine, which is neutral and non-polar, with threonine, which is neutral and polar, at codon 241 of the NBN protein (p.Ala241Thr). The frequency data for this variant in the population databases is considered unreliable, as metrics indicate poor data quality at this position in the gnomAD database. This missense change has been observed in individual(s) with NBN-related conditions (PMID: 36346689, 38446568). This missense change has been observed to co-occur in individuals with a different variant in NBN that has been determined to be pathogenic (internal data), but the significance of this finding is unclear. ClinVar contains an entry for this variant (Variation ID: 140869). An algorithm developed to predict the effect of missense changes on protein structure and function (PolyPhen-2) suggests that this variant is likely to be disruptive. In summary, the available evidence is currently insufficient to determine the role of this variant in disease. Therefore, it has been classified as a Variant of Uncertain Significance.

Quest Diagnostics Nichols Institute San Juan Capistrano
Classification: Uncertain significance. Last evaluated: 2025-06-30. Review status: criteria provided, single submitter. Criteria: Quest Diagnostics criteria. Collection method: clinical testing. Allele origin: unknown.
Comment: The NBN c.721G>A (p.Ala241Thr) variant has been reported in individuals with breast cancer (PMID: 32866190 (2020), 33471991 (2021), see LOVD), lymphoblastic leukemia (PMID: 38446568 (2024)), and unspecified cancer (PMID: 36346689 (2023)). This variant has also been identified in several reportedly unaffected individuals in case-control studies (PMID: 36243179 (2022), 33471991 (2021), 32980694 (2020), 30287823 (2018)). The frequency of this variant in the general population (Genome Aggregation Database) is uninformative in the assessment of its pathogenicity. Analysis of this variant using bioinformatics tools for the prediction of the effect of amino acid changes on protein structure and function yielded conflicting predictions that this variant is benign or damaging. Based on the available information, we are unable to determine the clinical significance of this variant.

Baylor Genetics
Classification: Uncertain significance for Aplastic anemia. Last evaluated: 2024-03-01. Review status: criteria provided, single submitter. Criteria: ACMG Guidelines, 2015. Collection method: clinical testing. Allele origin: unknown.

Ambry Genetics
Classification: Uncertain significance for Hereditary cancer-predisposing syndrome. Last evaluated: 2023-02-17. Review status: criteria provided, single submitter. Criteria: Ambry Variant Classification Scheme 2023. Collection method: clinical testing. Allele origin: germline.
Comment: The p.A241T variant (also known as c.721G>A), located in coding exon 7 of the NBN gene, results from a G to A substitution at nucleotide position 721. The alanine at codon 241 is replaced by threonine, an amino acid with similar properties. This variant has been identified in numerous disease cohorts as well as unaffected control groups across studies (Momozawa Y et al. Nat Commun, 2018 Oct;9:4083; Bishop MR et al. PLoS One, 2020 Aug;15:e0238295; Matejcic M et al. JCO Precis Oncol, 2020 Jan;4:32-43; Momozawa Y et al. J Natl Cancer Inst, 2020 Apr;112:369-376; This amino acid position is highly conserved in available vertebrate species. In addition, this alteration is predicted to be deleterious by in silico analysis. Since supporting evidence is limited at this time, the clinical significance of this alteration remains unclear.

GeneDx
Classification: Uncertain significance. Last evaluated: 2022-11-23. Review status: criteria provided, single submitter. Criteria: GeneDx Variant Classification Process June 2021. Collection method: clinical testing. Allele origin: germline. Affected: yes.
Comment: Not observed at significant frequency in large population cohorts (gnomAD); In silico analysis supports that this missense variant has a deleterious effect on protein structure/function; This variant is associated with the following publications: (PMID: 30287823, 24894818, 32866190)

Sema4
Classification: Uncertain significance for Hereditary cancer-predisposing syndrome. Last evaluated: 2022-01-15. Review status: criteria provided, single submitter. Criteria: Sema4 Curation Guidelines. Collection method: curation. Allele origin: germline.
Comment: The NBN c.721G>A (p.A241T) variant has been reported in heterozygosity in at least three individuals with breast cancer (PMID: 32866190, 33471991); however, it was also reported in at least three control individuals from breast and pancreatic cancer studies (PMID: 33471991, 32980694, 30287823). This variant was observed in 4/128758 chromosomes in the European (non-Finnish) population, according to the Genome Aggregation Database (PMID: 32461654). This variant has been reported in ClinVar (Variation ID: 140869). Functional studies have not been performed, and in silico predictions of the variant's effect on protein function are inconclusive. The evidence is insufficient to meet ACMG/AMP criteria for classifying the variant as benign or pathogenic. Thus, the clinical significance of this variant is currently uncertain.

Genome-Nilou Lab
Classification: Uncertain significance for Microcephaly, normal intelligence and immunodeficiency. Last evaluated: 2021-07-14. Review status: criteria provided, single submitter. Criteria: ACMG Guidelines, 2015. Collection method: clinical testing. Allele origin: germline. Affected: no.

Natera, Inc.
Classification: Uncertain significance for Nijmegen breakage syndrome. Last evaluated: 2020-03-19. Review status: no assertion criteria provided. Collection method: clinical testing. Allele origin: germline. Not counted in ClinVar's aggregate classification.

Literature cited by the submitters: PubMed 36346689 (cited by Labcorp Genetics (formerly Invitae), Labcorp and Quest Diagnostics Nichols Institute San Juan Capistrano); PubMed 38446568 (cited by Labcorp Genetics (formerly Invitae), Labcorp and Quest Diagnostics Nichols Institute San Juan Capistrano); PubMed 30287823 (cited by 3 submitters); PubMed 32866190 (cited by 3 submitters); PubMed 32980694 (cited by Quest Diagnostics Nichols Institute San Juan Capistrano and Sema4); PubMed 33471991 (cited by Quest Diagnostics Nichols Institute San Juan Capistrano and Sema4); PubMed 36243179 (cited by Quest Diagnostics Nichols Institute San Juan Capistrano); PubMed 31214711 (cited by Ambry Genetics); PubMed 32832836 (cited by Ambry Genetics).